The following is an entry in ClinVar:

ClinVar aggregate classification (germline): Pathogenic (1 of 4 stars; one submission).

Conditions:
Glycogen storage disease due to muscle and heart glycogen synthase deficiency. Also called: GSD 0b; MUSCLE GLYCOGEN SYNTHASE DEFICIENCY. Identifiers: Orphanet 137625, MedGen C1969054, MONDO:0012693, OMIM 611556.

Allele frequency attached by ClinVar (database versions not stated): TOPMed below 0.00001.
gnomAD v4.1: 1 of 1,613,372 alleles (0.000062%); highest among the groups gnomAD compares: Non-Finnish European, 0.000085%; no homozygotes.

Submission:

Labcorp Genetics (formerly Invitae), Labcorp
Classification: Pathogenic for Glycogen storage disease due to muscle and heart glycogen synthase deficiency. Last evaluated: 2019-06-27. Review status: criteria provided, single submitter. Criteria: Invitae Variant Classification Sherloc (09022015). Collection method: clinical testing. Allele origin: germline.
Comment: This sequence change creates a premature translational stop signal (p.Arg303*) in the GYS1 gene. It is expected to result in an absent or disrupted protein product. This variant is not present in population databases (ExAC no frequency). This variant has not been reported in the literature in individuals with GYS1-related conditions. Loss-of-function variants in GYS1 are known to be pathogenic (PMID: 17928598, 19699667). For these reasons, this variant has been classified as Pathogenic.

Literature cited by the submitters: PubMed 17928598; PubMed 19699667.

NM_002103.5(GYS1):c.907C>T (p.Arg303Ter)

Gene: GYS1 (glycogen synthase 1; minus strand). Cytogenetic location: 19q13.33.
Variant type: single nucleotide variant.
Coding change: c.907C>T on transcript NM_002103.5 (MANE Select); coding-DNA position 907, C replaced by T.
Protein change: p.Arg303Ter; replaces arginine 303 with a stop codon.
Molecular consequence: nonsense. On other transcripts: non-coding transcript variant (1).
Genome position (GRCh38, 1-based): chr19:48,982,754, G>A on the plus strand (C>T on the coding strand, the complement: GYS1 is on the minus strand). VCF-style: chr19-48982754-G-A. GRCh37 (hg19) VCF-style: chr19-49486011-G-A.
Other names: c.715C>T, p.Arg239Ter (NM_001161587.2); short protein forms R303*, R239*.
Identifiers: ClinVar variation 965769 (VCV000965769.3), dbSNP rs1269675538, ClinGen allele CA406763601.